The following is an entry in ClinVar:

NM_000381.4(MID1):c.1337A>T (p.Asn446Ile)

Gene: MID1 (midline 1; minus strand). Cytogenetic location: Xp22.2.
Variant type: single nucleotide variant.
Coding change: c.1337A>T on transcript NM_000381.4 (MANE Select); coding-DNA position 1337, A replaced by T.
Protein change: p.Asn446Ile; replaces asparagine 446 with isoleucine.
Molecular consequence: missense variant.
Genome position (GRCh38, 1-based): chrX:10,459,756, T>A on the plus strand (A>T on the coding strand, the complement: MID1 is on the minus strand). VCF-style: chrX-10459756-T-A. GRCh37 (hg19) VCF-style: chrX-10427796-T-A.
Other names: c.1337A>T, p.Asn446Ile (NM_001098624.2, NM_001193277.1, NM_001347733.2 and 1 more transcripts); c.1223A>T, p.Asn408Ile (NM_033289.2); short protein forms N408I, N446I.
Identifiers: ClinVar variation 2659975 (VCV002659975.24), dbSNP rs2518977492, ClinGen allele CA412051302.
Genomic context (GRCh38, chrX:10,459,756, plus strand): 5'-ATGGCCTTGACCATGAAGATGTACTTGGTGCCGCTCTGCAGACCGTGCACCGTGTAGTGG[T>A]TCTGCTTGATGTTGGGTACTATCATCCAGCTATCAGCCGAATTACACAGACCTGCAAAGC-3'
Protein context (NP_000372.1, residues 436-456): SWMIVPNIKQ[Asn446Ile]HYTVHGLQSG

ClinVar aggregate classification (germline): Uncertain significance (1 of 4 stars; one submission).

Submission:

CeGaT Center for Human Genetics Tuebingen
Classification: Uncertain significance. Last evaluated: 2023-03-01. Review status: criteria provided, single submitter. Criteria: CeGaT Center For Human Genetics Tuebingen Variant Classification Criteria Version 2. Collection method: clinical testing. Allele origin: germline. Affected: yes. Observed: 1 variant allele.
Comment: MID1: PM2